The following is an entry in ClinVar:

ClinVar aggregate classification (germline): Uncertain significance (1 of 4 stars; one submission).

Allele frequency attached by ClinVar (database versions not stated): gnomAD 0.00001; TOPMed 0.00001; gnomAD exomes 0.00002; ExAC 0.00003.
gnomAD v4.1: 24 of 1,610,752 alleles (0.0015%); highest among the groups gnomAD compares: Non-Finnish European, 0.002%; no homozygotes.

Submission:

Labcorp Genetics (formerly Invitae), Labcorp
Classification: Uncertain significance. Last evaluated: 2022-01-27. Review status: criteria provided, single submitter. Criteria: Invitae Variant Classification Sherloc (09022015). Collection method: clinical testing. Allele origin: germline.
Comment: In summary, the available evidence is currently insufficient to determine the role of this variant in disease. Therefore, it has been classified as a Variant of Uncertain Significance. Algorithms developed to predict the effect of missense changes on protein structure and function output the following: SIFT: "Tolerated"; PolyPhen-2: "Benign"; Align-GVGD: "Class C0". The threonine amino acid residue is found in multiple mammalian species, which suggests that this missense change does not adversely affect protein function. This variant has not been reported in the literature in individuals affected with LAMA5-related conditions. This variant is present in population databases (rs767978368, gnomAD 0.005%). This sequence change replaces alanine, which is neutral and non-polar, with threonine, which is neutral and polar, at codon 2365 of the LAMA5 protein (p.Ala2365Thr).

NM_005560.6(LAMA5):c.7093G>A (p.Ala2365Thr)

Gene: LAMA5 (laminin subunit alpha 5; minus strand). Cytogenetic location: 20q13.33.
Variant type: single nucleotide variant.
Coding change: c.7093G>A on transcript NM_005560.6 (MANE Select); coding-DNA position 7093, G replaced by A.
Protein change: p.Ala2365Thr; replaces alanine 2365 with threonine.
Molecular consequence: missense variant.
Genome position (GRCh38, 1-based): chr20:62,318,600, C>T on the plus strand (G>A on the coding strand, the complement: LAMA5 is on the minus strand). VCF-style: chr20-62318600-C-T. GRCh37 (hg19) VCF-style: chr20-60893656-C-T.
Other names: short protein forms A2365T.
Identifiers: ClinVar variation 2054499 (VCV002054499.2), dbSNP rs767978368, ClinGen allele CA9941430.